The following is an entry in ClinVar:

ClinVar aggregate classification (germline): Conflicting classifications of pathogenicity. Review status: criteria provided, conflicting classifications (1 of 4 stars). 5 submissions from 5 submitters: Uncertain significance (1); Benign (2); Likely benign (2). Last evaluated 2026-02-01.

Conditions:
Acute infantile liver failure due to synthesis defect of mtDNA-encoded proteins. Also called: TRMU Deficiency; Liver failure acute infantile; LIVER FAILURE, INFANTILE, TRANSIENT. Identifiers: Orphanet 217371, MedGen C3278664, MONDO:0013111, OMIM 613070.

Allele frequency attached by ClinVar (database versions not stated): TOPMed 0.00036; ESP Exome Variant Server 0.00069; 1000 Genomes Project 30x 0.00094; 1000 Genomes Project 0.00100; gnomAD exomes 0.00123 and 0.00201; gnomAD 0.00140 and 0.00145; ExAC 0.00192.

Submissions (5):

CeGaT Center for Human Genetics Tuebingen
Classification: Likely benign. Last evaluated: 2026-02-01. Review status: criteria provided, single submitter. Criteria: CeGaT Center For Human Genetics Tuebingen Variant Classification Criteria Version 2. Collection method: clinical testing. Allele origin: germline. Affected: yes. Observed: 2 variant alleles.
Comment: TRMU: BP4

Labcorp Genetics (formerly Invitae), Labcorp
Classification: Benign. Last evaluated: 2026-01-25. Review status: criteria provided, single submitter. Criteria: Invitae Variant Classification Sherloc (09022015). Collection method: clinical testing. Allele origin: germline.

Blueprint Genetics
Classification: Likely benign. Last evaluated: 2024-10-29. Review status: criteria provided, single submitter. Criteria: ACMG Guidelines, 2015. Collection method: clinical testing. Allele origin: germline.

Illumina Laboratory Services, Illumina
Classification: Uncertain significance for Acute infantile liver failure due to synthesis defect of mtDNA-encoded proteins. Last evaluated: 2018-01-12. Review status: criteria provided, single submitter. Criteria: ICSL Variant Classification Criteria 13 December 2019. Collection method: clinical testing. Allele origin: germline.

Eurofins Ntd Llc (ga)
Classification: Benign. Last evaluated: 2015-10-20. Review status: criteria provided, single submitter. Criteria: EGL Classification Definitions 2015. Collection method: clinical testing. Allele origin: germline. Observed: 1 variant allele, 1 heterozygote.

NM_018006.5(TRMU):c.238G>A (p.Asp80Asn)

Gene: TRMU (tRNA mitochondrial 2-thiouridylase; plus strand). Cytogenetic location: 22q13.31.
Variant type: single nucleotide variant.
Coding change: c.238G>A on transcript NM_018006.5 (MANE Select); coding-DNA position 238, G replaced by A.
Protein change: p.Asp80Asn; replaces aspartic acid 80 with asparagine.
Molecular consequence: missense variant. On other transcripts: initiator codon variant (1), 5 prime UTR variant (2), non-coding transcript variant (2).
Genome position (GRCh38, 1-based): chr22:46,337,934, G>A. VCF-style: chr22-46337934-G-A. GRCh37 (hg19) VCF-style: chr22-46733831-G-A.
Other names: c.3G>A, p.Met1Ile (NM_001282782.2); c.-17G>A (NM_001282783.2, NM_001282784.2); c.238G>A, p.Asp80Asn (NM_001282785.2); short protein forms D80N, M1I.
Identifiers: ClinVar variation 215284 (VCV000215284.41), dbSNP rs55952751, ClinGen allele CA324359.
Genomic context (GRCh38, chr22:46,337,934, plus strand): 5'-GTTTGCCAGATCTTAGACATCCCTTTCCATCAAGTGTCCTACGTAAAGGAGTATTGGAAT[G>A]ATGTGTTCAGGTGAGTGCGGGTCACAGCACAAAGGAAGCTTCCTCACACTGTGGATCCTT-3'
Protein context (NP_060476.2, residues 70-90): QVSYVKEYWN[Asp80Asn]VFSDFLNEYE